The following is an entry in ClinVar:

ClinVar aggregate classification (germline): Uncertain significance. Review status: criteria provided, multiple submitters, no conflicts (2 of 4 stars). 2 submissions from 2 submitters: Uncertain significance (2). Last evaluated 2025-09-29.

Allele frequency attached by ClinVar (database versions not stated): ExAC 0.00001; gnomAD 0.00001; gnomAD exomes 0.00001; TOPMed 0.00001.
gnomAD v4.1: 7 of 1,614,014 alleles (0.00043%); highest among the groups gnomAD compares: Admixed American, 0.012%; no homozygotes.

Submissions (2):

Labcorp Genetics (formerly Invitae), Labcorp
Classification: Uncertain significance. Last evaluated: 2025-09-29. Review status: criteria provided, single submitter. Criteria: Invitae Variant Classification Sherloc (09022015). Collection method: clinical testing. Allele origin: germline.
Comment: This sequence change replaces proline, which is neutral and non-polar, with arginine, which is basic and polar, at codon 2040 of the FN1 protein (p.Pro2040Arg). This variant is present in population databases (rs774181732, gnomAD 0.01%). This variant has not been reported in the literature in individuals affected with FN1-related conditions. ClinVar contains an entry for this variant (Variation ID: 1897163). An algorithm developed to predict the effect of missense changes on protein structure and function (PolyPhen-2) suggests that this variant is likely to be disruptive. In summary, the available evidence is currently insufficient to determine the role of this variant in disease. Therefore, it has been classified as a Variant of Uncertain Significance.

GeneDx
Classification: Uncertain significance. Last evaluated: 2023-03-25. Review status: criteria provided, single submitter. Criteria: GeneDx Variant Classification Process June 2021. Collection method: clinical testing. Allele origin: germline. Affected: yes.
Comment: In silico analysis supports that this missense variant has a deleterious effect on protein structure/function; Has not been previously published as pathogenic or benign to our knowledge

NM_212482.4(FN1):c.6119C>G (p.Pro2040Arg)

Gene: FN1 (fibronectin 1; minus strand). Cytogenetic location: 2q35.
Variant type: single nucleotide variant.
Coding change: c.6119C>G on transcript NM_212482.4 (MANE Select); coding-DNA position 6119, C replaced by G.
Protein change: p.Pro2040Arg; replaces proline 2040 with arginine.
Molecular consequence: missense variant.
Genome position (GRCh38, 1-based): chr2:215,375,252, G>C on the plus strand (C>G on the coding strand, the complement: FN1 is on the minus strand). VCF-style: chr2-215375252-G-C. GRCh37 (hg19) VCF-style: chr2-216239975-G-C.
Other names: c.6119C>G, p.Pro2040Arg (NM_001306129.2); c.5849C>G, p.Pro1950Arg (NM_001306130.2, NM_001365517.2, NM_001365519.2 and 2 more transcripts); c.5576C>G, p.Pro1859Arg (NM_001306131.2, NM_001306132.2, NM_001365523.2 and 2 more transcripts); c.5846C>G, p.Pro1949Arg (NM_001365518.2, NM_001365520.2, NM_001365524.2 and 2 more transcripts); c.6119C>G (NM_212482.1); short protein forms P2040R, P1949R, P1950R, P1859R.
Identifiers: ClinVar variation 1897163 (VCV001897163.6), dbSNP rs774181732, ClinGen allele CA2093946.